The following is an entry in ClinVar:

ClinVar aggregate classification (germline): Likely benign (1 of 4 stars; one submission).

gnomAD v4.1: 88 of 1,610,770 alleles (0.0055%); highest among the groups gnomAD compares: Admixed American, 0.084%; no homozygotes.

Submission:

CeGaT Center for Human Genetics Tuebingen
Classification: Likely benign. Last evaluated: 2023-02-01. Review status: criteria provided, single submitter. Criteria: CeGaT Center For Human Genetics Tuebingen Variant Classification Criteria Version 2. Collection method: clinical testing. Allele origin: germline. Affected: yes. Observed: 1 variant allele.
Comment: SLC26A11: BP4, BP7

NM_001166347.2(SLC26A11):c.924C>T (p.Ala308=)

Gene: SLC26A11 (solute carrier family 26 member 11; plus strand). Cytogenetic location: 17q25.3.
Variant type: single nucleotide variant.
Coding change: c.924C>T on transcript NM_001166347.2 (MANE Select); coding-DNA position 924, C replaced by T.
Protein change: p.Ala308=; no amino-acid change (alanine 308 retained).
Molecular consequence: synonymous variant.
Genome position (GRCh38, 1-based): chr17:80,237,533, C>T. VCF-style: chr17-80237533-C-T. GRCh37 (hg19) VCF-style: chr17-78211332-C-T.
Other names: c.924C>T, p.Ala308= (NM_001166348.2, NM_001166349.2, NM_173626.4).
Identifiers: ClinVar variation 2648401 (VCV002648401.24), dbSNP rs188773399, ClinGen allele CA8818614.